The following is an entry in ClinVar:

NM_022114.4(PRDM16):c.43G>A (p.Gly15Ser)

Gene: PRDM16 (PR/SET domain 16; plus strand). Cytogenetic location: 1p36.32.
Variant type: single nucleotide variant.
Coding change: c.43G>A on transcript NM_022114.4 (MANE Select); coding-DNA position 43, G replaced by A.
Protein change: p.Gly15Ser; replaces glycine 15 with serine.
Molecular consequence: missense variant.
Genome position (GRCh38, 1-based): chr1:3,186,130, G>A. VCF-style: chr1-3186130-G-A. GRCh37 (hg19) VCF-style: chr1-3102694-G-A.
Other names: c.43G>A, p.Gly15Ser (NM_199454.3); short protein forms G15S.
Identifiers: ClinVar variation 451384 (VCV000451384.2), dbSNP rs201559520, ClinGen allele CA543680.

ClinVar aggregate classification (germline): Uncertain significance (1 of 4 stars; one submission).

Allele frequency attached by ClinVar (database versions not stated): gnomAD exomes 0.00001 and 0.00003; gnomAD 0.00003; TOPMed 0.00003; ExAC 0.00005.
gnomAD v4.1: 20 of 1,612,078 alleles (0.0012%); highest among the groups gnomAD compares: East Asian, 0.013%; no homozygotes.

Submission:

GeneDx
Classification: Uncertain significance. Last evaluated: 2017-08-16. Review status: criteria provided, single submitter. Criteria: GeneDx Variant Classification (06012015). Collection method: clinical testing. Allele origin: germline. Affected: yes.
Comment: A variant of uncertain significance has been identified in the PRDM16 gene. The G15S variant has not been published as pathogenic or been reported as benign to our knowledge. This variant has been observed in 3/8490 (0.04%) alleles from individuals of East Asian ancestry, and 1/8960 (0.01%) alleles from individuals of African ancestry, in large population cohorts (Lek et al., 2016; 1000 Genomes Consortium et al., 2015; Exome Variant Server). The G15S variant is a non-conservative amino acid substitution, which is likely to impact secondary protein structure as these residues differ in polarity, charge, size and/or other properties. However, this substitution occurs at a position that is not conserved across species and serine (S) is the wild-type residue at this position in multiple species. Finally, in silico analysis is inconsistent in its predictions as to whether or not the variant is damaging to the protein structure/function.